The following is an entry in ClinVar:

NM_017668.3(NDE1):c.66G>A (p.Ala22=)

Gene: NDE1 (nudE neurodevelopment protein 1; plus strand). Cytogenetic location: 16p13.11.
Variant type: single nucleotide variant.
Coding change: c.66G>A on transcript NM_017668.3 (MANE Select); coding-DNA position 66, G replaced by A.
Protein change: p.Ala22=; no amino-acid change (alanine 22 retained).
Molecular consequence: synonymous variant.
Genome position (GRCh38, 1-based): chr16:15,664,844, G>A. VCF-style: chr16-15664844-G-A. GRCh37 (hg19) VCF-style: chr16-15758701-G-A.
Other names: c.66G>A, p.Ala22= (NM_001143979.2); c.66G>A (NM_001143979.1).
Identifiers: ClinVar variation 2182490 (VCV002182490.7), dbSNP rs143820142, ClinGen allele CA7920469.

ClinVar aggregate classification (germline): Likely benign. Review status: criteria provided, multiple submitters, no conflicts (2 of 4 stars). 3 submissions from 3 submitters: Likely benign (2). 1 of the submissions does not count toward it. Last evaluated 2022-04-23.

Conditions:
NDE1-related disorder. Also called: NDE1-related condition; NDE1-Related Disorders.

Allele frequency attached by ClinVar (database versions not stated): gnomAD 0.00005; TOPMed 0.00011; ExAC 0.00012; ESP Exome Variant Server 0.00015.
gnomAD v4.1: 150 of 1,612,654 alleles (0.0093%); highest among the groups gnomAD compares: South Asian, 0.059%; 3 homozygotes.

Submissions (3):

Labcorp Genetics (formerly Invitae), Labcorp
Classification: Likely benign. Last evaluated: 2022-04-23. Review status: criteria provided, single submitter. Criteria: Invitae Variant Classification Sherloc (09022015). Collection method: clinical testing. Allele origin: germline.

Blueprint Genetics
Classification: Likely benign. Last evaluated: 2020-02-19. Review status: criteria provided, single submitter. Criteria: ACMG Guidelines, 2015. Collection method: clinical testing. Allele origin: germline.

PreventionGenetics, part of Exact Sciences
Classification: Likely benign for NDE1-related condition. Last evaluated: 2023-03-07. Review status: no assertion criteria provided. Collection method: clinical testing. Allele origin: germline. Not counted in ClinVar's aggregate classification.
Comment: This variant is classified as likely benign based on ACMG/AMP sequence variant interpretation guidelines (Richards et al. 2015 PMID: 25741868, with internal and published modifications).